The following is an entry in ClinVar:

ClinVar aggregate classification (germline): Likely pathogenic (1 of 4 stars; one submission).

Conditions:
Saldino-Mainzer syndrome (SRTD9). Also called: CONORENAL SYNDROME; Renal dysplasia, retinal pigmentary dystrophy, cerebellar ataxia and skeletal dysplasia; SHORT-RIB THORACIC DYSPLASIA 9 WITHOUT POLYDACTYLY; short-rib thoracic dysplasia 9 with or without polydactyly. Identifiers: Orphanet 140969, MedGen C1849437, MONDO:0009964, OMIM 266920.

Submission:

Institute of Human Genetics, University of Leipzig Medical Center
Classification: Likely pathogenic for Saldino-Mainzer syndrome. Last evaluated: 2021-10-07. Review status: criteria provided, single submitter. Criteria: ACMG Guidelines, 2015. Collection method: clinical testing. Allele origin: paternal. Affected: yes.
Comment: Duplication of exons 27-30. Determined to be compound heterozygous with NM_014714.4:c.1039C>T

GRCh37/hg19 16p13.3(chr16:1568167-1570859)x3

Gene: IFT140 (intraflagellar transport 140; minus strand). Cytogenetic location: 16p13.3.
Variant type: copy number gain.
Change: copy number 3 (three copies instead of two) of chr16:1,568,167-1,570,859 (2.7 kb, GRCh37 coordinates, 1-based), cytogenetic band 16p13.3.
Identifiers: ClinVar variation 1330189 (VCV001330189.1).